The following is an entry in ClinVar:

NM_001854.4(COL11A1):c.4962del (p.Lys1654fs)

Gene: COL11A1 (collagen type XI alpha 1 chain; minus strand). Cytogenetic location: 1p21.1.
Variant type: Deletion.
Coding change: c.4962del on transcript NM_001854.4 (MANE Select); coding-DNA position 4962, one base deleted (A; older notation c.4962delA).
Protein change: p.Lys1654fs; shifts the reading frame from lysine 1654.
Molecular consequence: frameshift variant. On other transcripts: non-coding transcript variant (1).
Genome position (GRCh38, 1-based): chr1:102,883,208, T deleted on the plus strand (A on the coding strand, the reverse complement: COL11A1 is on the minus strand); the first of 6 consecutive T bases (chr1:102,883,208-102,883,213); deleting any one gives the same sequence. VCF-style (leftmost placement, unchanged base first): chr1-102883207-AT-A. GRCh37 (hg19) VCF-style: chr1-103348763-AT-A.
Other names: c.4845del, p.Lys1615fs (NM_001190709.2); c.4998del, p.Lys1666fs (NM_080629.3); c.4614del, p.Lys1538fs (NM_080630.4); short protein forms K1666fs, K1615fs, K1538fs, K1654fs.
Identifiers: ClinVar variation 3648586 (VCV003648586.2).

ClinVar aggregate classification (germline): Pathogenic (1 of 4 stars; one submission).

Submission:

Labcorp Genetics (formerly Invitae), Labcorp
Classification: Pathogenic. Last evaluated: 2024-04-03. Review status: criteria provided, single submitter. Criteria: Invitae Variant Classification Sherloc (09022015). Collection method: clinical testing. Allele origin: germline.
Comment: This sequence change creates a premature translational stop signal (p.Lys1654Asnfs*5) in the COL11A1 gene. It is expected to result in an absent or disrupted protein product. Loss-of-function variants in COL11A1 are known to be pathogenic (PMID: 20513134, 21035103, 23922384, 25240749, 32427345, 32756486). This variant is not present in population databases (gnomAD no frequency). This variant has not been reported in the literature in individuals affected with COL11A1-related conditions. For these reasons, this variant has been classified as Pathogenic.

Literature cited by the submitters: PubMed 20513134; PubMed 21035103; PubMed 23922384; PubMed 25240749; PubMed 32427345; PubMed 32756486.